The following is an entry in ClinVar:

NM_182961.4(SYNE1):c.17582C>A (p.Thr5861Asn)

Gene: SYNE1 (spectrin repeat containing nuclear envelope protein 1; minus strand). Cytogenetic location: 6q25.2.
Variant type: single nucleotide variant.
Coding change: c.17582C>A on transcript NM_182961.4 (MANE Select); coding-DNA position 17582, C replaced by A.
Protein change: p.Thr5861Asn; replaces threonine 5861 with asparagine.
Molecular consequence: missense variant.
Genome position (GRCh38, 1-based): chr6:152,300,741, G>T on the plus strand (C>A on the coding strand, the complement: SYNE1 is on the minus strand). VCF-style: chr6-152300741-G-T. GRCh37 (hg19) VCF-style: chr6-152621876-G-T.
Other names: c.17369C>A, p.Thr5790Asn (NM_033071.5); short protein forms T5861N, T5790N.
Identifiers: ClinVar variation 842678 (VCV000842678.9), dbSNP rs1450245566, ClinGen allele CA366103480.
Genomic context (GRCh38, chr6:152,300,741, plus strand): 5'-GAGCGACAGGCAGGTGGAGAGGAAATCTCACTGTTGGTTCCCTCCTCCCCAGACTCCTCA[G>T]TGACCGGTGACAGCAAAGTGTGACAGCGACCTGCAGTCATCTGCCACGTAAAATGTAGCC-3'
Protein context (NP_892006.3, residues 5851-5871): GRCHTLLSPV[Thr5861Asn]EESGEEGTNS

ClinVar aggregate classification (germline): Uncertain significance (1 of 4 stars; one submission).

Conditions:
Emery-Dreifuss muscular dystrophy 4, autosomal dominant (EDMD4). Also called: EMERY-DREIFUSS MUSCULAR DYSTROPHY 4 WITH VARIABLE FEATURES. Identifiers: Orphanet 261, MedGen C2751807, MONDO:0013071, OMIM 612998.
Autosomal recessive ataxia, Beauce type. Also called: Spinocerebellar ataxia, autosomal recessive 8; ATAXIA, RECESSIVE, OF BEAUCE; SYNE1-Related Autosomal Recessive Cerebellar Ataxia; SYNE1 Deficiency. Identifiers: Orphanet 88644, MedGen C1853116, MONDO:0012549, OMIM 610743.

Allele frequency attached by ClinVar (database versions not stated): TOPMed 0.00001.
gnomAD v4.1: 5 of 1,614,124 alleles (0.00031%); highest among the groups gnomAD compares: African/African-American, 0.0067%; no homozygotes.

Submission:

Labcorp Genetics (formerly Invitae), Labcorp
Classification: Uncertain significance for Emery-Dreifuss muscular dystrophy 4, autosomal dominant; Autosomal recessive ataxia, Beauce type. Last evaluated: 2019-03-02. Review status: criteria provided, single submitter. Criteria: Invitae Variant Classification Sherloc (09022015). Collection method: clinical testing. Allele origin: germline.
Comment: This sequence change replaces threonine with asparagine at codon 5790 of the SYNE1 protein (p.Thr5790Asn). The threonine residue is highly conserved and there is a small physicochemical difference between threonine and asparagine. This variant is not present in population databases (ExAC no frequency). This variant has not been reported in the literature in individuals with SYNE1-related conditions. Algorithms developed to predict the effect of missense changes on protein structure and function (SIFT, PolyPhen-2, Align-GVGD) all suggest that this variant is likely to be disruptive, but these predictions have not been confirmed by published functional studies and their clinical significance is uncertain. In summary, the available evidence is currently insufficient to determine the role of this variant in disease. Therefore, it has been classified as a Variant of Uncertain Significance.